The following is an entry in ClinVar:

NM_177438.3(DICER1):c.1510-1G>A

Gene: DICER1 (dicer 1, ribonuclease III; minus strand). Cytogenetic location: 14q32.13.
Variant type: single nucleotide variant.
Coding change: c.1510-1G>A on transcript NM_177438.3 (MANE Select); the canonical splice acceptor site of the intron before coding-DNA position 1510, G replaced by A.
Molecular consequence: splice acceptor variant. On other transcripts: intron variant (1).
Genome position (GRCh38, 1-based): chr14:95,116,696, C>T on the plus strand (G>A on the coding strand, the complement: DICER1 is on the minus strand). VCF-style: chr14-95116696-C-T. GRCh37 (hg19) VCF-style: chr14-95583033-C-T.
Other names: c.1510-1G>A (NM_001291628.2, NM_030621.4, NM_001395677.1 and 12 more transcripts); c.1105-1G>A (NM_001395690.1, NM_001395687.1, NM_001395689.1 and 3 more transcripts); c.1228-1G>A (NM_001395686.1); c.943-1G>A (NM_001395691.1); c.-59-116G>A (NM_001395697.1).
Identifiers: ClinVar variation 567075 (VCV000567075.8), dbSNP rs1566790572, ClinGen allele CA390885267.

ClinVar aggregate classification (germline): Likely pathogenic (1 of 4 stars; one submission).

Conditions:
DICER1-related tumor predisposition. Also called: DICER1-related pleuropulmonary blastoma cancer predisposition syndrome; DICER1 syndrome. Identifiers: Orphanet 284343, MedGen C3839822, MONDO:0100216.

Submission:

Labcorp Genetics (formerly Invitae), Labcorp
Classification: Likely pathogenic for DICER1-related tumor predisposition. Last evaluated: 2018-06-29. Review status: criteria provided, single submitter. Criteria: Invitae Variant Classification Sherloc (09022015). Collection method: clinical testing. Allele origin: germline.
Comment: Donor and acceptor splice site variants typically lead to a loss of protein function (PMID: 16199547), and loss-of-function variants in DICER1 are known to be pathogenic (PMID: 19556464, 21266384). This variant has not been reported in the literature in individuals with DICER1-related disease. In summary, the currently available evidence indicates that the variant is pathogenic, but additional data are needed to prove that conclusively. Therefore, this variant has been classified as Likely Pathogenic. This sequence change affects an acceptor splice site in intron 9 of the DICER1 gene. It is expected to disrupt RNA splicing and likely results in an absent or disrupted protein product. This variant is not present in population databases (ExAC no frequency).

Literature cited by the submitters: PubMed 16199547; PubMed 19556464; PubMed 21266384.